The following is an entry in ClinVar:

NC_000015.9:g.(?_76523654)_(76523759_?)del

Gene: ETFA (electron transfer flavoprotein subunit alpha; minus strand). Cytogenetic location: 15q24.2.
Variant type: Deletion.
Identifiers: ClinVar variation 2422386 (VCV002422386.4).

ClinVar aggregate classification (germline): Uncertain significance (1 of 4 stars; one submission).

Conditions:
Multiple acyl-CoA dehydrogenase deficiency (MADD). Also called: Glutaric aciduria, type 2; Glutaric acidemia type II; GA 2; ETHYLMALONIC-ADIPICACIDURIA; GA II; Glutaric Acidemia type 2. Identifiers: Orphanet 26791, MedGen C0268596, MONDO:0009282, OMIM 231680.

Submission:

Labcorp Genetics (formerly Invitae), Labcorp
Classification: Uncertain significance for Multiple acyl-CoA dehydrogenase deficiency. Last evaluated: 2022-03-22. Review status: criteria provided, single submitter. Criteria: Invitae Variant Classification Sherloc (09022015). Collection method: clinical testing. Allele origin: germline.
Comment: This variant is a gross deletion of the genomic region encompassing exon(s) 10 of the ETFA gene. This variant would be expected to be in-frame, preserving the integrity of the reading frame. This variant has not been reported in the literature in individuals affected with ETFA-related conditions. Experimental studies and prediction algorithms are not available or were not evaluated, and the functional significance of this variant is currently unknown. This variant disrupts a region of the ETFA protein in which other variant(s) (p.Gln285Leu) have been observed in individuals with ETFA-related conditions (PMID: 30510944). This suggests that this is a clinically significant region of the protein, and that variants that disrupt it are likely to be disease-causing. In summary, the available evidence is currently insufficient to determine the role of this variant in disease. Therefore, it has been classified as a Variant of Uncertain Significance.

Literature cited by the submitters: PubMed 30510944.